The following is an entry in ClinVar:

NM_007194.4(CHEK2):c.415dup (p.Tyr139fs)

Gene: CHEK2 (checkpoint kinase 2; minus strand). Cytogenetic location: 22q12.1.
Variant type: Duplication.
Coding change: c.415dup on transcript NM_007194.4 (MANE Select); coding-DNA position 415, one base duplicated (T; older notation c.415dupT).
Protein change: p.Tyr139fs; shifts the reading frame from tyrosine 139.
Molecular consequence: frameshift variant.
Genome position (GRCh38, 1-based): chr22:28,725,272, A duplicated on the plus strand (T on the coding strand, the reverse complement: CHEK2 is on the minus strand). VCF-style (leftmost placement, unchanged base first): chr22-28725271-T-TA. GRCh37 (hg19) VCF-style: chr22-29121259-T-TA.
Other names: c.544dup, p.Tyr182Leufs (NM_001005735.3); c.-363dup (NM_001257387.3); c.415dup, p.Tyr139Leufs (NM_001349956.3, NM_145862.3); short protein forms Y139fs, Y182fs.
Identifiers: ClinVar variation 2583353 (VCV002583353.2), dbSNP rs2518058829, ClinGen allele CA2582342799.

ClinVar aggregate classification (germline): Pathogenic (1 of 4 stars; one submission).

Conditions:
Familial cancer of breast. Also called: Hereditary breast cancer; BREAST CANCER, FAMILIAL; hereditary breast carcinoma. Identifiers: Orphanet 227535, MedGen C0346153, MONDO:0016419, OMIM 114480. Disease mechanism: loss of function.

Submission:

Myriad Genetics, Inc.
Classification: Pathogenic for Familial cancer of breast. Last evaluated: 2023-06-23. Review status: criteria provided, single submitter. Criteria: Myriad Autosomal Dominant, Autosomal Recessive and X-Linked Classification Criteria (2023). Collection method: clinical testing. Allele origin: unknown.
Comment: This variant is considered pathogenic. This variant creates a frameshift predicted to result in premature protein truncation.